The following is an entry in ClinVar:

NM_004260.4(RECQL4):c.2632C>T (p.Pro878Ser)

Gene: RECQL4 (RecQ like helicase 4; minus strand). Cytogenetic location: 8q24.3.
Variant type: single nucleotide variant.
Coding change: c.2632C>T on transcript NM_004260.4 (MANE Select); coding-DNA position 2632, C replaced by T.
Protein change: p.Pro878Ser; replaces proline 878 with serine.
Molecular consequence: missense variant.
Genome position (GRCh38, 1-based): chr8:144,512,970, G>A on the plus strand (C>T on the coding strand, the complement: RECQL4 is on the minus strand). VCF-style: chr8-144512970-G-A. GRCh37 (hg19) VCF-style: chr8-145738353-G-A.
Other names: short protein forms P878S.
Identifiers: ClinVar variation 566828 (VCV000566828.8), dbSNP rs375036010, ClinGen allele CA4948164.

ClinVar aggregate classification (germline): Conflicting classifications of pathogenicity. Review status: criteria provided, conflicting classifications (1 of 4 stars). 2 submissions from 2 submitters: Uncertain significance (1); Likely benign (1). Last evaluated 2025-08-18.

Conditions:
Baller-Gerold syndrome (BGS). Also called: CRANIOSYNOSTOSIS WITH RADIAL DEFECTS. Identifiers: Orphanet 1225, MedGen C0265308, MONDO:0009039, OMIM 218600.
Inborn genetic diseases. Identifiers: MedGen C0950123, MeSH D030342.

Allele frequency attached by ClinVar (database versions not stated): ExAC 0.00003; gnomAD exomes 0.00003 and 0.00002; gnomAD 0.00001; TOPMed 0.00003; ESP Exome Variant Server 0.00008.
gnomAD v4.1: 35 of 1,571,070 alleles (0.0022%); highest among the groups gnomAD compares: Non-Finnish European, 0.0027%; no homozygotes.

Submissions (2):

Labcorp Genetics (formerly Invitae), Labcorp
Classification: Uncertain significance for Baller-Gerold syndrome. Last evaluated: 2025-08-18. Review status: criteria provided, single submitter. Criteria: Invitae Variant Classification Sherloc (09022015). Collection method: clinical testing. Allele origin: germline.
Comment: This sequence change replaces proline, which is neutral and non-polar, with serine, which is neutral and polar, at codon 878 of the RECQL4 protein (p.Pro878Ser). The frequency data for this variant in the population databases is considered unreliable, as metrics indicate poor data quality at this position in the gnomAD database. This variant has not been reported in the literature in individuals affected with RECQL4-related conditions. ClinVar contains an entry for this variant (Variation ID: 566828). An algorithm developed to predict the effect of missense changes on protein structure and function outputs the following: PolyPhen-2: "Not Available". The serine amino acid residue is found in multiple mammalian species, which suggests that this missense change does not adversely affect protein function. In summary, the available evidence is currently insufficient to determine the role of this variant in disease. Therefore, it has been classified as a Variant of Uncertain Significance.

Ambry Genetics
Classification: Likely benign for Inborn genetic diseases. Last evaluated: 2024-12-06. Review status: criteria provided, single submitter. Criteria: Ambry Variant Classification Scheme 2023. Collection method: clinical testing. Allele origin: germline.